The following is an entry in ClinVar:

ClinVar aggregate classification (germline): Likely pathogenic. Review status: criteria provided, multiple submitters, no conflicts (2 of 4 stars). 2 submissions from 2 submitters: Likely pathogenic (2). Last evaluated 2023-05-23.

Conditions:
Holocarboxylase synthetase deficiency. Also called: MULTIPLE CARBOXYLASE DEFICIENCY, EARLY ONSET. Identifiers: Orphanet 79242, MedGen C0268581, MONDO:0009666, OMIM 253270.

Submissions (2):

Labcorp Genetics (formerly Invitae), Labcorp
Classification: Likely pathogenic for Holocarboxylase synthetase deficiency. Last evaluated: 2023-05-23. Review status: criteria provided, single submitter. Criteria: Invitae Variant Classification Sherloc (09022015). Collection method: clinical testing. Allele origin: germline.
Comment: This sequence change affects an acceptor splice site in intron 4 of the HLCS gene. It is expected to disrupt RNA splicing. Variants that disrupt the donor or acceptor splice site typically lead to a loss of protein function (PMID: 16199547), and loss-of-function variants in HLCS are known to be pathogenic (PMID: 16134170). This variant has not been reported in the literature in individuals affected with HLCS-related conditions. This variant is not present in population databases (gnomAD no frequency). Algorithms developed to predict the effect of sequence changes on RNA splicing suggest that this variant may disrupt the consensus splice site. In summary, the currently available evidence indicates that the variant is pathogenic, but additional data are needed to prove that conclusively. Therefore, this variant has been classified as Likely Pathogenic.

Baylor Genetics
Classification: Likely pathogenic for Holocarboxylase synthetase deficiency. Last evaluated: 2023-02-08. Review status: criteria provided, single submitter. Criteria: ACMG Guidelines, 2015. Collection method: clinical testing. Allele origin: unknown.

Literature cited by the submitters: PubMed 16199547 (cited by Labcorp Genetics (formerly Invitae), Labcorp); PubMed 16134170 (cited by Labcorp Genetics (formerly Invitae), Labcorp).

NM_001352514.2(HLCS):c.494-1G>A

Gene: HLCS (holocarboxylase synthetase; minus strand). Cytogenetic location: 21q22.13.
Variant type: single nucleotide variant.
Coding change: c.494-1G>A on transcript NM_001352514.2 (MANE Select); the canonical splice acceptor site of the intron before coding-DNA position 494, G replaced by A.
Molecular consequence: splice acceptor variant.
Genome position (GRCh38, 1-based): chr21:36,937,393, C>T on the plus strand (G>A on the coding strand, the complement: HLCS is on the minus strand). VCF-style: chr21-36937393-C-T. GRCh37 (hg19) VCF-style: chr21-38309693-C-T.
Other names: c.53-1G>A (NM_001352517.1, NM_001242785.2, NM_001352515.2 and 4 more transcripts).
Identifiers: ClinVar variation 2676019 (VCV002676019.4), dbSNP rs2517583657, ClinGen allele CA409914218.